The following is an entry in ClinVar:

NM_001261826.3(AP3D1):c.373C>A (p.Gln125Lys)

Gene: AP3D1 (adaptor related protein complex 3 subunit delta 1; minus strand). Cytogenetic location: 19p13.3.
Variant type: single nucleotide variant.
Coding change: c.373C>A on transcript NM_001261826.3 (MANE Select); coding-DNA position 373, C replaced by A.
Protein change: p.Gln125Lys; replaces glutamine 125 with lysine.
Molecular consequence: missense variant.
Genome position (GRCh38, 1-based): chr19:2,132,560, G>T on the plus strand (C>A on the coding strand, the complement: AP3D1 is on the minus strand). VCF-style: chr19-2132560-G-T. GRCh37 (hg19) VCF-style: chr19-2132559-G-T.
Other names: c.373C>A, p.Gln125Lys (NM_001374799.1, NM_003938.8); short protein forms Q125K.
Identifiers: ClinVar variation 1944703 (VCV001944703.5), dbSNP rs1316044750, ClinGen allele CA403229306.
Genomic context (GRCh38, chr19:2,132,560, plus strand): 5'-TGGCAAGGTCTGGGGTGACGAAGCAGGACAGACCCGTCAGTGCAACACCTGTGTCGTACT[G>T]GCTGGGGCTGCTCAAGTCCTGGAAAGTGAGAGAAAGGGGCCGTGGCCAGGATGCCCTGGG-3'
Protein context (NP_001248755.1, residues 115-135): QIRKDLSSPS[Gln125Lys]YDTGVALTGL

ClinVar aggregate classification (germline): Uncertain significance (1 of 4 stars; one submission).

Allele frequency attached by ClinVar (database versions not stated): gnomAD exomes below 0.00001; gnomAD 0.00001.
gnomAD v4.1: 9 of 1,605,972 alleles (0.00056%); highest among the groups gnomAD compares: Middle Eastern, 0.033%; no homozygotes.

Submission:

Labcorp Genetics (formerly Invitae), Labcorp
Classification: Uncertain significance. Last evaluated: 2024-10-21. Review status: criteria provided, single submitter. Criteria: Invitae Variant Classification Sherloc (09022015). Collection method: clinical testing. Allele origin: germline.
Comment: This sequence change replaces glutamine, which is neutral and polar, with lysine, which is basic and polar, at codon 125 of the AP3D1 protein (p.Gln125Lys). This variant is present in population databases (no rsID available, gnomAD 0.0009%). This variant has not been reported in the literature in individuals affected with AP3D1-related conditions. ClinVar contains an entry for this variant (Variation ID: 1944703). An algorithm developed to predict the effect of missense changes on protein structure and function (PolyPhen-2) suggests that this variant is likely to be tolerated. In summary, the available evidence is currently insufficient to determine the role of this variant in disease. Therefore, it has been classified as a Variant of Uncertain Significance.